The following is an entry in ClinVar:

ClinVar aggregate classification (germline): Uncertain significance (1 of 4 stars; one submission).

gnomAD v4.1: 2 of 1,614,004 alleles (0.00012%); no homozygotes.

Submission:

Labcorp Genetics (formerly Invitae), Labcorp
Classification: Uncertain significance. Last evaluated: 2023-08-09. Review status: criteria provided, single submitter. Criteria: Invitae Variant Classification Sherloc (09022015). Collection method: clinical testing. Allele origin: germline.
Comment: In summary, the available evidence is currently insufficient to determine the role of this variant in disease. Therefore, it has been classified as a Variant of Uncertain Significance. Advanced modeling of protein sequence and biophysical properties (such as structural, functional, and spatial information, amino acid conservation, physicochemical variation, residue mobility, and thermodynamic stability) has been performed at Invitae for this missense variant, however the output from this modeling did not meet the statistical confidence thresholds required to predict the impact of this variant on ZBTB20 protein function. This variant has not been reported in the literature in individuals affected with ZBTB20-related conditions. This sequence change replaces alanine, which is neutral and non-polar, with glycine, which is neutral and non-polar, at codon 556 of the ZBTB20 protein (p.Ala556Gly). This variant is present in population databases (no rsID available, gnomAD no frequency).

NM_001348800.3(ZBTB20):c.1667C>G (p.Ala556Gly)

Gene: ZBTB20 (zinc finger and BTB domain containing 20; minus strand). Cytogenetic location: 3q13.31.
Variant type: single nucleotide variant.
Coding change: c.1667C>G on transcript NM_001348800.3 (MANE Select); coding-DNA position 1667, C replaced by G.
Protein change: p.Ala556Gly; replaces alanine 556 with glycine.
Molecular consequence: missense variant.
Genome position (GRCh38, 1-based): chr3:114,350,411, G>C on the plus strand (C>G on the coding strand, the complement: ZBTB20 is on the minus strand). VCF-style: chr3-114350411-G-C. GRCh37 (hg19) VCF-style: chr3-114069258-G-C.
Other names: c.1667C>G, p.Ala556Gly (NM_001164342.2, NM_001348803.3, NM_001393393.1 and 1 more transcripts); c.1448C>G, p.Ala483Gly (NM_001164343.2, NM_001164344.4, NM_001164345.4 and 9 more transcripts); short protein forms A483G, A556G.
Identifiers: ClinVar variation 2751416 (VCV002751416.3), dbSNP rs1323958910, ClinGen allele CA354006488.